The following is an entry in ClinVar:

NM_000059.4(BRCA2):c.7806-1G>A

Gene: BRCA2 (BRCA2 DNA repair associated; plus strand). Cytogenetic location: 13q13.1.
Variant type: single nucleotide variant.
Coding change: c.7806-1G>A on transcript NM_000059.4 (MANE Select); the canonical splice acceptor site of the intron before coding-DNA position 7806, G replaced by A.
Molecular consequence: splice acceptor variant.
Genome position (GRCh38, 1-based): chr13:32,362,522, G>A. VCF-style: chr13-32362522-G-A. GRCh37 (hg19) VCF-style: chr13-32936659-G-A.
Other names: c.7806-1G>A (NM_001406720.1); c.7710-1G>A (NM_001406719.1); c.2874-1G>A (NM_001406721.1); c.1389-1G>A (NM_001406722.1).
Identifiers: ClinVar variation 619652 (VCV000619652.11), dbSNP rs81002860, ClinGen allele CA387746913.

ClinVar aggregate classification (germline): Pathogenic. Review status: criteria provided, multiple submitters, no conflicts (2 of 4 stars). 3 submissions from 3 submitters: Pathogenic (3). Last evaluated 2023-09-10.

Conditions:
Hereditary cancer-predisposing syndrome. Also called: Neoplastic Syndromes, Hereditary; Hereditary neoplastic syndrome; Tumor predisposition; Hereditary Cancer Syndrome. Identifiers: Orphanet 140162, MedGen C0027672, MeSH D009386, MONDO:0015356.
Hereditary breast ovarian cancer syndrome. Also called: Hereditary breast and ovarian cancer; Hereditary breast and ovarian cancer syndrome (HBOC); Breast and ovarian cancer; BRCA1- and BRCA2-Associated Hereditary Breast and Ovarian Cancer; Hereditary breast and/or ovarian cancer syndrome; Hereditary breast and ovarian cancer syndrome. Identifiers: Orphanet 145, MedGen C0677776, MeSH D061325, MONDO:0003582. Disease mechanism: loss of function.

Submissions (3):

Labcorp Genetics (formerly Invitae), Labcorp
Classification: Pathogenic for Hereditary breast ovarian cancer syndrome. Last evaluated: 2023-09-10. Review status: criteria provided, single submitter. Criteria: Invitae Variant Classification Sherloc (09022015). Collection method: clinical testing. Allele origin: germline.
Comment: This sequence change affects an acceptor splice site in intron 16 of the BRCA2 gene. RNA analysis indicates that disruption of this splice site induces altered splicing and may result in an absent or disrupted protein product. This variant is not present in population databases (gnomAD no frequency). Disruption of this splice site has been observed in individual(s) with BRCA2-related conditions (PMID: 12461697, 18439106, 18783588). It has also been observed to segregate with disease in related individuals. ClinVar contains an entry for this variant (Variation ID: 619652). Studies have shown that disruption of this splice site results in a truncated protein product and introduces a premature termination codon (PMID: 28339459). The resulting mRNA is expected to undergo nonsense-mediated decay. For these reasons, this variant has been classified as Pathogenic.

Ambry Genetics
Classification: Pathogenic for Hereditary cancer-predisposing syndrome. Last evaluated: 2021-03-17. Review status: criteria provided, single submitter. Criteria: Ambry Variant Classification Scheme 2023. Collection method: clinical testing. Allele origin: germline.
Comment: The c.7806-1G>A intronic pathogenic mutation results from a G to A substitution one nucleotide upstream from coding exon 16 of the BRCA2 gene. Using a minigene assay, this mutation was found to activate a novel splice acceptor site one nucleotide downstream the mutation, causing a frameshift and a premature truncation of the BRCA2 protein (p.A2603Lfs*45) (Fraile-Bethencourt E et al. PLoS Genet, 2017 Mar;13:e1006691). This variant was not reported in population-based cohorts in the Genome Aggregation Database (gnomAD). In silico splice site analysis predicts that this alteration will weaken the native splice acceptor site and will result in the creation or strengthening of a novel splice acceptor site. In addition to the clinical data presented in the literature, alterations that disrupt the canonical splice site are expected to cause aberrant splicing, resulting in an abnormal protein or a transcript that is subject to nonsense-mediated mRNA decay. As such, this alteration is classified as a disease-causing mutation.

Quest Diagnostics Nichols Institute San Juan Capistrano
Classification: Pathogenic. Last evaluated: 2017-11-15. Review status: criteria provided, single submitter. Criteria: Quest Diagnostics criteria. Collection method: clinical testing. Allele origin: germline.

Literature cited by the submitters: PubMed 12461697 (cited by Labcorp Genetics (formerly Invitae), Labcorp); PubMed 18439106 (cited by Labcorp Genetics (formerly Invitae), Labcorp); PubMed 18783588 (cited by Labcorp Genetics (formerly Invitae), Labcorp); PubMed 28339459 (cited by Labcorp Genetics (formerly Invitae), Labcorp and Ambry Genetics).